The following is an entry in ClinVar:

ClinVar aggregate classification (germline): Conflicting classifications of pathogenicity. Review status: criteria provided, conflicting classifications (1 of 4 stars). 2 submissions from 2 submitters: Uncertain significance (1); Likely benign (1). Last evaluated 2023-03-23.

Conditions:
Hereditary cancer-predisposing syndrome. Also called: Tumor predisposition; Hereditary Cancer Syndrome; Hereditary neoplastic syndrome; Neoplastic Syndromes, Hereditary. Identifiers: Orphanet 140162, MedGen C0027672, MeSH D009386, MONDO:0015356.
Hereditary breast ovarian cancer syndrome. Also called: BRCA1- and BRCA2-Associated Hereditary Breast and Ovarian Cancer; Hereditary breast and ovarian cancer; Hereditary breast and ovarian cancer syndrome; Hereditary breast and ovarian cancer syndrome (HBOC); Breast and ovarian cancer; Hereditary breast and/or ovarian cancer syndrome. Identifiers: Orphanet 145, MedGen C0677776, MeSH D061325, MONDO:0003582. Disease mechanism: loss of function.

Submissions (2):

University of Washington Department of Laboratory Medicine, University of Washington
Classification: Likely benign for Hereditary cancer-predisposing syndrome. Last evaluated: 2023-03-23. Review status: criteria provided, single submitter. Criteria: Dines et al. (Genet Med. 2020). Collection method: curation. Allele origin: germline.
Comment: Missense variant in a coldspot region where missense variants are very unlikely to be pathogenic (PMID:31911673).

BRCA1 coldspot (exon 11 using historical exon numbering). Reclassification based on statistical prior probability

Labcorp Genetics (formerly Invitae), Labcorp
Classification: Uncertain significance for Hereditary breast ovarian cancer syndrome. Last evaluated: 2021-05-15. Review status: criteria provided, single submitter. Criteria: Invitae Variant Classification Sherloc (09022015). Collection method: clinical testing. Allele origin: germline.
Comment: In summary, the available evidence is currently insufficient to determine the role of this variant in disease. Therefore, it has been classified as a Variant of Uncertain Significance. Advanced modeling of protein sequence and biophysical properties (such as structural, functional, and spatial information, amino acid conservation, physicochemical variation, residue mobility, and thermodynamic stability) performed at Invitae indicates that this missense variant is not expected to disrupt BRCA1 protein function. This variant has not been reported in the literature in individuals with BRCA1-related conditions. This variant is not present in population databases (ExAC no frequency). This sequence change replaces glutamic acid with aspartic acid at codon 1148 of the BRCA1 protein (p.Glu1148Asp). The glutamic acid residue is moderately conserved and there is a small physicochemical difference between glutamic acid and aspartic acid.

NM_007294.4(BRCA1):c.3444G>T (p.Glu1148Asp)

Genes: BRCA1 (BRCA1 DNA repair associated; minus strand), LOC126862571 (BRD4-independent group 4 enhancer GRCh37_chr17:41243136-41244335; plus strand). Cytogenetic location: 17q21.31.
Variant type: single nucleotide variant.
Coding change: c.3444G>T on transcript NM_007294.4 (MANE Select); coding-DNA position 3444, G replaced by T.
Protein change: p.Glu1148Asp; replaces glutamic acid 1148 with aspartic acid.
Molecular consequence: missense variant. On other transcripts: intron variant (135).
Genome position (GRCh38, 1-based): chr17:43,092,087, C>A on the plus strand (G>T on the coding strand, the complement: BRCA1 is on the minus strand). VCF-style: chr17-43092087-C-A. GRCh37 (hg19) VCF-style: chr17-41244104-C-A.
Other names: c.3231G>T, p.Glu1077Asp (NM_001407571.1, NM_001407853.1, NM_001407894.1 and 9 more transcripts); c.3444G>T, p.Glu1148Asp (NM_001407581.1, NM_001407582.1, NM_001407583.1 and 30 more transcripts); c.3441G>T, p.Glu1147Asp (NM_001407587.1, NM_001407590.1, NM_001407591.1 and 22 more transcripts); c.3435G>T, p.Glu1145Asp (NM_001407646.1, NM_001407647.1); c.3321G>T, p.Glu1107Asp (NM_001407648.1, NM_001407664.1, NM_001407665.1 and 19 more transcripts); c.3318G>T, p.Glu1106Asp (NM_001407649.1, NM_001407670.1, NM_001407671.1 and 11 more transcripts); c.3366G>T, p.Glu1122Asp (NM_001407653.1, NM_001407654.1, NM_001407655.1 and 4 more transcripts); c.3363G>T, p.Glu1121Asp (NM_001407659.1, NM_001407660.1, NM_001407661.1 and 1 more transcripts); and 41 more; short protein forms E1101D, E1148D, E1021D, E1081D, E1121D, E280D, E852D, E1106D.
Identifiers: ClinVar variation 1468825 (VCV001468825.11), dbSNP rs2154315177, ClinGen allele CA10595095.